The following is an entry in ClinVar:

ClinVar aggregate classification (germline): Uncertain significance (1 of 4 stars; one submission).

Submission:

Labcorp Genetics (formerly Invitae), Labcorp
Classification: Uncertain significance. Last evaluated: 2021-12-19. Review status: criteria provided, single submitter. Criteria: Invitae Variant Classification Sherloc (09022015). Collection method: clinical testing. Allele origin: germline.
Comment: This sequence change replaces proline, which is neutral and non-polar, with alanine, which is neutral and non-polar, at codon 204 of the TCIRG1 protein (p.Pro204Ala). This variant is not present in population databases (gnomAD no frequency). This variant has not been reported in the literature in individuals affected with TCIRG1-related conditions. Algorithms developed to predict the effect of missense changes on protein structure and function (SIFT, PolyPhen-2, Align-GVGD) all suggest that this variant is likely to be tolerated. In summary, the available evidence is currently insufficient to determine the role of this variant in disease. Therefore, it has been classified as a Variant of Uncertain Significance.

NM_006019.4(TCIRG1):c.610C>G (p.Pro204Ala)

Gene: TCIRG1 (T cell immune regulator 1, ATPase H+ transporting V0 subunit a3; plus strand). Cytogenetic location: 11q13.2.
Variant type: single nucleotide variant.
Coding change: c.610C>G on transcript NM_006019.4 (MANE Select); coding-DNA position 610, C replaced by G.
Protein change: p.Pro204Ala; replaces proline 204 with alanine.
Molecular consequence: missense variant. On other transcripts: 5 prime UTR variant (2).
Genome position (GRCh38, 1-based): chr11:68,043,477, C>G. VCF-style: chr11-68043477-C-G. GRCh37 (hg19) VCF-style: chr11-67810944-C-G.
Other names: c.-301C>G (NM_001351059.2); c.-39C>G (NM_006053.4); short protein forms P204A.
Identifiers: ClinVar variation 2049112 (VCV002049112.4), dbSNP rs1482222995, ClinGen allele CA381577322.